The following is an entry in ClinVar:

NM_014862.4(ARNT2):c.574G>A (p.Val192Met)

Gene: ARNT2 (aryl hydrocarbon receptor nuclear translocator 2; plus strand). Cytogenetic location: 15q25.1.
Variant type: single nucleotide variant.
Coding change: c.574G>A on transcript NM_014862.4 (MANE Select); coding-DNA position 574, G replaced by A.
Protein change: p.Val192Met; replaces valine 192 with methionine.
Molecular consequence: missense variant.
Genome position (GRCh38, 1-based): chr15:80,475,175, G>A. VCF-style: chr15-80475175-G-A. GRCh37 (hg19) VCF-style: chr15-80767516-G-A.
Other names: short protein forms V192M.
Identifiers: ClinVar variation 1416200 (VCV001416200.6), dbSNP rs201803008, ClinGen allele CA7691731.

ClinVar aggregate classification (germline): Uncertain significance (1 of 4 stars; one submission).

Allele frequency attached by ClinVar (database versions not stated): gnomAD 0.00005; TOPMed 0.00005; gnomAD exomes 0.00006 and 0.00007; ExAC 0.00008; ESP Exome Variant Server 0.00008.
gnomAD v4.1: 103 of 1,614,184 alleles (0.0064%); highest among the groups gnomAD compares: East Asian, 0.094%; 1 homozygote.

Submission:

Labcorp Genetics (formerly Invitae), Labcorp
Classification: Uncertain significance. Last evaluated: 2025-10-08. Review status: criteria provided, single submitter. Criteria: Invitae Variant Classification Sherloc (09022015). Collection method: clinical testing. Allele origin: germline.
Comment: This sequence change replaces valine, which is neutral and non-polar, with methionine, which is neutral and non-polar, at codon 192 of the ARNT2 protein (p.Val192Met). This variant is present in population databases (rs201803008, gnomAD 0.04%). This variant has not been reported in the literature in individuals affected with ARNT2-related conditions. ClinVar contains an entry for this variant (Variation ID: 1416200). An algorithm developed to predict the effect of missense changes on protein structure and function (PolyPhen-2) suggests that this variant is likely to be disruptive. In summary, the available evidence is currently insufficient to determine the role of this variant in disease. Therefore, it has been classified as a Variant of Uncertain Significance.